The following is an entry in ClinVar:

ClinVar aggregate classification (germline): Uncertain significance (1 of 4 stars; one submission).

Submission:

Labcorp Genetics (formerly Invitae), Labcorp
Classification: Uncertain significance. Last evaluated: 2024-04-11. Review status: criteria provided, single submitter. Criteria: Invitae Variant Classification Sherloc (09022015). Collection method: clinical testing. Allele origin: germline.
Comment: This sequence change replaces asparagine, which is neutral and polar, with aspartic acid, which is acidic and polar, at codon 704 of the C2CD3 protein (p.Asn704Asp). This variant is not present in population databases (gnomAD no frequency). This variant has not been reported in the literature in individuals affected with C2CD3-related conditions. ClinVar contains an entry for this variant (Variation ID: 2098403). Advanced modeling of protein sequence and biophysical properties (such as structural, functional, and spatial information, amino acid conservation, physicochemical variation, residue mobility, and thermodynamic stability) performed at Invitae indicates that this missense variant is expected to disrupt C2CD3 protein function with a positive predictive value of 80%. In summary, the available evidence is currently insufficient to determine the role of this variant in disease. Therefore, it has been classified as a Variant of Uncertain Significance.

NM_001286577.2(C2CD3):c.2110A>G (p.Asn704Asp)

Gene: C2CD3 (C2 domain containing 3 centriole elongation regulator; minus strand). Cytogenetic location: 11q13.4.
Variant type: single nucleotide variant.
Coding change: c.2110A>G on transcript NM_001286577.2 (MANE Select); coding-DNA position 2110, A replaced by G.
Protein change: p.Asn704Asp; replaces asparagine 704 with aspartic acid.
Molecular consequence: missense variant.
Genome position (GRCh38, 1-based): chr11:74,103,601, T>C on the plus strand (A>G on the coding strand, the complement: C2CD3 is on the minus strand). VCF-style: chr11-74103601-T-C. GRCh37 (hg19) VCF-style: chr11-73814646-T-C.
Other names: c.2110A>G, p.Asn704Asp (NM_015531.6); short protein forms N704D.
Identifiers: ClinVar variation 2098403 (VCV002098403.4), dbSNP rs2496450209, ClinGen allele CA381834087.